The following is an entry in ClinVar:

NM_000173.7(GP1BA):c.275del (p.Leu92fs)

Gene: GP1BA (glycoprotein Ib platelet subunit alpha; plus strand). Cytogenetic location: 17p13.2.
Variant type: Deletion.
Coding change: c.275del on transcript NM_000173.7 (MANE Select); coding-DNA position 275, one base deleted (T; older notation c.275delT).
Protein change: p.Leu92fs; shifts the reading frame from leucine 92.
Molecular consequence: frameshift variant.
Genome position (GRCh38, 1-based): chr17:4,932,879, T deleted. VCF-style (leftmost placement, unchanged base first): chr17-4932878-CT-C. GRCh37 (hg19) VCF-style: chr17-4836173-CT-C.
Other names: NM_000173.7:c.275del; short protein forms L92fs.
Identifiers: ClinVar variation 4087785 (VCV004087785.1).

ClinVar aggregate classification (germline): Likely pathogenic (3 of 4 stars; one submission).

Conditions:
Bernard Soulier syndrome (BSS). Also called: GLYCOPROTEIN Ib, PLATELET, DEFICIENCY OF; PLATELET GLYCOPROTEIN Ib DEFICIENCY; VON WILLEBRAND FACTOR RECEPTOR DEFICIENCY; Giant platelet syndrome; Hemorrhagiparous thrombocytic dystrophy; Giant platelet disease. Identifiers: Orphanet 274, MedGen C0005129, MeSH D001606, MONDO:0009276, OMIM 231200.

Submission:

ClinGen Platelet Disorders Variant Curation Expert Panel, ClinGen
Classification: Likely pathogenic for Bernard Soulier syndrome. Last evaluated: 2025-05-01. Review status: reviewed by expert panel. Criteria: ClinGen Platelet ACMG Specifications GP1BA V1.0.0. Collection method: curation. Allele origin: germline. Inheritance: Autosomal recessive inheritance.
Comment: The c.275del (p.Leu92ArgfsTer20) variant in GP1BA is a nonsense variant that may cause loss of function of the protein, however it is predicted to escape nonsense mediated decay and remove (>10%) of the protein (PVS1_Strong). At least one patient (Proband in PMID: 7855797 or internal with this variant had aggregation absent for ristocetin and present for all other agonists and absent expression of GPIba measured by flow cytometry, which is highly specific for Bernard-Soulier syndrome. Additionally, the patient had excessive mucocutaneous bleeding and macrothrombocytopenia which are consistent with Bernard-Soulier syndrome (PP4). The Grpmax Filtering allele frequency in gnomAD v4.1.0 is absent (based on 1/1179908 alleles) in the European (non-Finnish) population, which is lower than the ClinGen PD VCEP threshold (<0.0001114; PM2_Supporting). In summary, this variant meets the criteria to be classified as Likely Pathogenic for autosomal recessive Bernard-Soulier syndrome based on the ACMG/AMP criteria applied, as specified by the ClinGen PD VCEP: PVS1_Strong, PP4, PM3_Supporting and PM2_Supporting (VCEP specifications version 1.0.0).